The following is an entry in ClinVar:

NM_001366385.1(CARD14):c.2397G>A (p.Glu799=)

Genes: SGSH (N-sulfoglucosamine sulfohydrolase; minus strand), CARD14 (caspase recruitment domain family member 14; plus strand). Cytogenetic location: 17q25.3.
Variant type: single nucleotide variant.
Coding change: c.2397G>A on transcript NM_001366385.1 (MANE Select); coding-DNA position 2397, G replaced by A.
Protein change: p.Glu799=; no amino-acid change (glutamic acid 799 retained).
Molecular consequence: synonymous variant. On other transcripts: non-coding transcript variant (1).
Genome position (GRCh38, 1-based): chr17:80,204,340, G>A. VCF-style: chr17-80204340-G-A. GRCh37 (hg19) VCF-style: chr17-78178139-G-A.
Other names: c.2397G>A, p.Glu799= (NM_024110.4).
Identifiers: ClinVar variation 4782443 (VCV004782443.1).

ClinVar aggregate classification (germline): Uncertain significance (1 of 4 stars; one submission).

Conditions:
Psoriasis 2. Identifiers: MedGen C1864497, MONDO:0011269, OMIM 602723.
Pityriasis rubra pilaris (PRP). Also called: Pityriasis rubra pilaris--familial type. Identifiers: Orphanet 2897, MedGen C0032027, MONDO:0100017, OMIM 173200, MONDO:0008251.

Submission:

Labcorp Genetics (formerly Invitae), Labcorp
Classification: Uncertain significance for Pityriasis rubra pilaris; Psoriasis 2. Last evaluated: 2025-06-18. Review status: criteria provided, single submitter. Criteria: Invitae Variant Classification Sherloc (09022015). Collection method: clinical testing. Allele origin: germline.
Comment: This sequence change affects codon 799 of the CARD14 mRNA. It is a 'silent' change, meaning that it does not change the encoded amino acid sequence of the CARD14 protein. It affects a nucleotide within the consensus splice site. This variant is not present in population databases (gnomAD no frequency). This variant has not been reported in the literature in individuals affected with CARD14-related conditions. Algorithms developed to predict the effect of sequence changes on RNA splicing suggest that this variant is not likely to affect RNA splicing. In summary, the available evidence is currently insufficient to determine the role of this variant in disease. Therefore, it has been classified as a Variant of Uncertain Significance.